The following is an entry in ClinVar:

ClinVar aggregate classification (germline): Uncertain significance. Review status: criteria provided, multiple submitters, no conflicts (2 of 4 stars). 2 submissions from 2 submitters: Uncertain significance (2). Last evaluated 2025-04-04.

Conditions:
Familial thoracic aortic aneurysm and aortic dissection (TAAD). Also called: Thoracic aortic aneurysms and dissections. Identifiers: Orphanet 91387, MedGen C4707243, MONDO:0019625.

gnomAD v4.1: 3 of 1,607,798 alleles (0.00019%); highest among the groups gnomAD compares: African/African-American, 0.004%; no homozygotes.

Submissions (2):

Labcorp Genetics (formerly Invitae), Labcorp
Classification: Uncertain significance for Familial thoracic aortic aneurysm and aortic dissection. Last evaluated: 2025-04-04. Review status: criteria provided, single submitter. Criteria: Invitae Variant Classification Sherloc (09022015). Collection method: clinical testing. Allele origin: germline.
Comment: This sequence change falls in intron 3 of the MAT2A gene. It does not directly change the encoded amino acid sequence of the MAT2A protein. It affects a nucleotide within the consensus splice site. This variant is not present in population databases (gnomAD no frequency). This variant has not been reported in the literature in individuals affected with MAT2A-related conditions. ClinVar contains an entry for this variant (Variation ID: 3768472). Variants that disrupt the consensus splice site are a relatively common cause of aberrant splicing (PMID: 17576681, 9536098). Algorithms developed to predict the effect of sequence changes on RNA splicing suggest that this variant is not likely to affect RNA splicing. In summary, the available evidence is currently insufficient to determine the role of this variant in disease. Therefore, it has been classified as a Variant of Uncertain Significance.

Women's Health and Genetics/Laboratory Corporation of America, LabCorp
Classification: Uncertain significance. Last evaluated: 2024-12-23. Review status: criteria provided, single submitter. Criteria: LabCorp Variant Classification Summary - May 2015. Collection method: clinical testing. Allele origin: germline.

Literature cited by the submitters: PubMed 17576681 (cited by Labcorp Genetics (formerly Invitae), Labcorp); PubMed 9536098 (cited by Labcorp Genetics (formerly Invitae), Labcorp).

NM_005911.6(MAT2A):c.292+4T>C

Genes: MAT2A (methionine adenosyltransferase 2A; plus strand), GGCX (gamma-glutamyl carboxylase; minus strand). Cytogenetic location: 2p11.2.
Variant type: single nucleotide variant.
Coding change: c.292+4T>C on transcript NM_005911.6 (MANE Select); 4 bases into the intron after coding-DNA position 292, T replaced by C.
Molecular consequence: intron variant.
Genome position (GRCh38, 1-based): chr2:85,541,381, T>C. VCF-style: chr2-85541381-T-C. GRCh37 (hg19) VCF-style: chr2-85768504-T-C.
Identifiers: ClinVar variation 3768472 (VCV003768472.2).